The following is an entry in ClinVar:

ClinVar aggregate classification (germline): Conflicting classifications of pathogenicity. Review status: criteria provided, conflicting classifications (1 of 4 stars). 3 submissions from 3 submitters: Uncertain significance (1); Likely benign (1). 1 of the submissions does not count toward it. Last evaluated 2024-02-08.

Conditions:
Bloom syndrome (BLM). Also called: Bloom-Torre-Machacek syndrome. Identifiers: Orphanet 125, MedGen C0005859, MONDO:0008876, OMIM 210900.
Hereditary cancer-predisposing syndrome. Also called: Hereditary Cancer Syndrome; Hereditary neoplastic syndrome; Neoplastic Syndromes, Hereditary; Tumor predisposition. Identifiers: Orphanet 140162, MedGen C0027672, MeSH D009386, MONDO:0015356.

Allele frequency attached by ClinVar (database versions not stated): ExAC 0.00001; gnomAD exomes 0.00001.
gnomAD v4.1: 17 of 1,606,366 alleles (0.0011%); highest among the groups gnomAD compares: Admixed American, 0.0017%; no homozygotes.

Submissions (3):

Labcorp Genetics (formerly Invitae), Labcorp
Classification: Uncertain significance for Bloom syndrome. Last evaluated: 2024-02-08. Review status: criteria provided, single submitter. Criteria: Invitae Variant Classification Sherloc (09022015). Collection method: clinical testing. Allele origin: germline.
Comment: This sequence change replaces threonine, which is neutral and polar, with isoleucine, which is neutral and non-polar, at codon 547 of the BLM protein (p.Thr547Ile). This variant is present in population databases (rs758161226, gnomAD 0.002%). This variant has not been reported in the literature in individuals affected with BLM-related conditions. ClinVar contains an entry for this variant (Variation ID: 405306). Advanced modeling of protein sequence and biophysical properties (such as structural, functional, and spatial information, amino acid conservation, physicochemical variation, residue mobility, and thermodynamic stability) performed at Invitae indicates that this missense variant is not expected to disrupt BLM protein function with a negative predictive value of 80%. In summary, the available evidence is currently insufficient to determine the role of this variant in disease. Therefore, it has been classified as a Variant of Uncertain Significance.

Ambry Genetics
Classification: Likely benign for Hereditary cancer-predisposing syndrome. Last evaluated: 2023-12-11. Review status: criteria provided, single submitter. Criteria: Ambry Variant Classification Scheme 2023. Collection method: clinical testing. Allele origin: germline.

Natera, Inc.
Classification: Uncertain significance for Bloom syndrome. Last evaluated: 2020-09-16. Review status: no assertion criteria provided. Collection method: clinical testing. Allele origin: germline. Not counted in ClinVar's aggregate classification.

NM_000057.4(BLM):c.1640C>T (p.Thr547Ile)

Gene: BLM (BLM RecQ like helicase; plus strand). Cytogenetic location: 15q26.1.
Variant type: single nucleotide variant.
Coding change: c.1640C>T on transcript NM_000057.4 (MANE Select); coding-DNA position 1640, C replaced by T.
Protein change: p.Thr547Ile; replaces threonine 547 with isoleucine.
Molecular consequence: missense variant.
Genome position (GRCh38, 1-based): chr15:90,761,013, C>T. VCF-style: chr15-90761013-C-T. GRCh37 (hg19) VCF-style: chr15-91304243-C-T.
Other names: c.1640C>T, p.Thr547Ile (NM_001287246.2, NM_001287247.2); c.515C>T, p.Thr172Ile (NM_001287248.2); c.1640C>T (NM_000057.2); short protein forms T547I, T172I.
Identifiers: ClinVar variation 405306 (VCV000405306.9), dbSNP rs758161226, ClinGen allele CA7738567.